The following is an entry in ClinVar:

NM_024675.4(PALB2):c.1917G>T (p.Glu639Asp)

Gene: PALB2 (partner and localizer of BRCA2; minus strand). Cytogenetic location: 16p12.2.
Variant type: single nucleotide variant.
Coding change: c.1917G>T on transcript NM_024675.4 (MANE Select); coding-DNA position 1917, G replaced by T.
Protein change: p.Glu639Asp; replaces glutamic acid 639 with aspartic acid.
Molecular consequence: missense variant.
Genome position (GRCh38, 1-based): chr16:23,630,237, C>A on the plus strand (G>T on the coding strand, the complement: PALB2 is on the minus strand). VCF-style: chr16-23630237-C-A. GRCh37 (hg19) VCF-style: chr16-23641558-C-A.
Other names: short protein forms E639D.
Identifiers: ClinVar variation 803236 (VCV000803236.13), dbSNP rs1597090787, ClinGen allele CA395127520.

ClinVar aggregate classification (germline): Conflicting classifications of pathogenicity. Review status: criteria provided, conflicting classifications (1 of 4 stars). 2 submissions from 2 submitters: Uncertain significance (1); Likely benign (1). Last evaluated 2019-11-12.

Conditions:
Familial cancer of breast. Also called: BREAST CANCER, FAMILIAL; Hereditary breast cancer; hereditary breast carcinoma. Identifiers: Orphanet 227535, MedGen C0346153, MONDO:0016419, OMIM 114480. Disease mechanism: loss of function.

Submissions (2):

Labcorp Genetics (formerly Invitae), Labcorp
Classification: Uncertain significance for Familial cancer of breast. Last evaluated: 2019-11-12. Review status: criteria provided, single submitter. Criteria: Invitae Variant Classification Sherloc (09022015). Collection method: clinical testing. Allele origin: germline.
Comment: This sequence change replaces glutamic acid with aspartic acid at codon 639 of the PALB2 protein (p.Glu639Asp). The glutamic acid residue is weakly conserved and there is a small physicochemical difference between glutamic acid and aspartic acid. In summary, the available evidence is currently insufficient to determine the role of this variant in disease. Therefore, it has been classified as a Variant of Uncertain Significance. This variant is not present in population databases (ExAC no frequency). This variant has not been reported in the literature in individuals with PALB2-related conditions. Algorithms developed to predict the effect of missense changes on protein structure and function output the following: SIFT: "Tolerated"; PolyPhen-2: "Benign"; Align-GVGD: "Class C0". The aspartic acid amino acid residue is found in multiple mammalian species, suggesting that this missense change does not adversely affect protein function. These predictions have not been confirmed by published functional studies and their clinical significance is uncertain.

Mendelics
Classification: Likely benign for Familial cancer of breast. Last evaluated: 2019-05-28. Review status: criteria provided, single submitter. Criteria: Mendelics Assertion Criteria 2017. Collection method: clinical testing. Allele origin: unknown.